The following is an entry in ClinVar:

ClinVar aggregate classification (germline): Uncertain significance (1 of 4 stars; one submission).

Submission:

Labcorp Genetics (formerly Invitae), Labcorp
Classification: Uncertain significance. Last evaluated: 2022-07-27. Review status: criteria provided, single submitter. Criteria: Invitae Variant Classification Sherloc (09022015). Collection method: clinical testing. Allele origin: germline.
Comment: This sequence change creates a premature translational stop signal (p.Gly6286Alafs*3) in the ADGRV1 gene. While this is not anticipated to result in nonsense mediated decay, it is expected to disrupt the last 21 amino acid(s) of the ADGRV1 protein. This variant is not present in population databases (gnomAD no frequency). This variant has not been reported in the literature in individuals affected with ADGRV1-related conditions. This variant disrupts a region of the ADGRV1 protein in which other variant(s) (p.Gln6292Arg) have been observed in individuals with ADGRV1-related conditions (Invitae). This suggests that this is a clinically significant region of the protein, and that variants that disrupt it are likely to be disease-causing. In summary, the available evidence is currently insufficient to determine the role of this variant in disease. Therefore, it has been classified as a Variant of Uncertain Significance.

NM_032119.4(ADGRV1):c.18857del (p.Gly6286fs)

Gene: ADGRV1 (adhesion G protein-coupled receptor V1; plus strand). Cytogenetic location: 5q14.3.
Variant type: Deletion.
Coding change: c.18857del on transcript NM_032119.4 (MANE Select); coding-DNA position 18857, one base deleted (G; older notation c.18857delG).
Protein change: p.Gly6286fs; shifts the reading frame from glycine 6286.
Molecular consequence: frameshift variant. On other transcripts: non-coding transcript variant (1).
Genome position (GRCh38, 1-based): chr5:91,163,836, G deleted; the last of 6 consecutive G bases (chr5:91,163,831-91,163,836); deleting any one gives the same sequence. VCF-style (leftmost placement, unchanged base first): chr5-91163830-AG-A. GRCh37 (hg19) VCF-style: chr5-90459647-AG-A.
Other names: short protein forms G6286fs.
Identifiers: ClinVar variation 2019926 (VCV002019926.4), dbSNP rs2533526332, ClinGen allele CA2580073780.